The following is an entry in ClinVar:

ClinVar aggregate classification (germline): Conflicting classifications of pathogenicity. Review status: criteria provided, conflicting classifications (1 of 4 stars). 2 submissions from 2 submitters: Likely pathogenic (1); Uncertain significance (1). Last evaluated 2023-03-23.

Conditions:
Charcot-Marie-Tooth disease type 2. Also called: Charcot-Marie-Tooth type 2. Identifiers: Orphanet 64746, MedGen C0270914, MONDO:0018993.

Submissions (2):

Labcorp Genetics (formerly Invitae), Labcorp
Classification: Likely pathogenic for Charcot-Marie-Tooth disease type 2. Last evaluated: 2023-03-23. Review status: criteria provided, single submitter. Criteria: Invitae Variant Classification Sherloc (09022015). Collection method: clinical testing. Allele origin: germline.
Comment: In summary, the currently available evidence indicates that the variant is pathogenic, but additional data are needed to prove that conclusively. Therefore, this variant has been classified as Likely Pathogenic. This variant disrupts the p.Ala362 amino acid residue in MFN2. Other variant(s) that disrupt this residue have been determined to be pathogenic (PMID: 26392352, 26930221; Invitae). This suggests that this residue is clinically significant, and that variants that disrupt this residue are likely to be disease-causing. Advanced modeling of protein sequence and biophysical properties (such as structural, functional, and spatial information, amino acid conservation, physicochemical variation, residue mobility, and thermodynamic stability) performed at Invitae indicates that this missense variant is expected to disrupt MFN2 protein function. ClinVar contains an entry for this variant (Variation ID: 246245). This variant has not been reported in the literature in individuals affected with MFN2-related conditions. This variant is not present in population databases (gnomAD no frequency). This sequence change replaces threonine, which is neutral and polar, with proline, which is neutral and non-polar, at codon 362 of the MFN2 protein (p.Thr362Pro).

GeneDx
Classification: Uncertain significance. Last evaluated: 2016-01-13. Review status: criteria provided, single submitter. Criteria: GeneDx Variant Classification (06012015). Collection method: clinical testing. Allele origin: germline. Affected: yes.
Comment: The T362P variant has not been published as a pathogenic variant, nor has it been reported as a benign variant to our knowledge. However, a different amino acid substitution at the same position (T362M) has been previously reported in a child with early-onset neuropathy who had a second variant on the opposite allele; the mother carried the variant and was mildly affected, leading the authors to suggest that this variant is semi-dominant (Nicholson et al., 2008). T362P was not observed in approximately 6,500 individuals of European and African American ancestry in the NHLBI Exome Sequencing Project, indicating it is not a common benign variant in these populations. The T362P variant is a non-conservative amino acid substitution, which is likely to impact secondary protein structure as these residues differ in polarity, charge, size and/or other properties. This substitution occurs at a position that is conserved across species. In silico analysis is inconsistent in its predictions as to whether or not the variant is damaging to the protein structure/function. Missense variants in nearby residues have been reported in the Human Gene Mutation Database in association with CMT (Stenson et al., 2014), supporting the functional importance of this region of the protein. Therefore, based on the currently available information, it is unclear whether this variant is a pathogenic variant or a rare benign variant.

Literature cited by the submitters: PubMed 26392352 (cited by Labcorp Genetics (formerly Invitae), Labcorp); PubMed 26930221 (cited by Labcorp Genetics (formerly Invitae), Labcorp).

NM_014874.4(MFN2):c.1084A>C (p.Thr362Pro)

Gene: MFN2 (mitofusin 2; plus strand). Cytogenetic location: 1p36.22.
Variant type: single nucleotide variant.
Coding change: c.1084A>C on transcript NM_014874.4 (MANE Select); coding-DNA position 1084, A replaced by C.
Protein change: p.Thr362Pro; replaces threonine 362 with proline.
Molecular consequence: missense variant.
Genome position (GRCh38, 1-based): chr1:12,002,027, A>C. VCF-style: chr1-12002027-A-C. GRCh37 (hg19) VCF-style: chr1-12062084-A-C.
Other names: c.1084A>C, p.Thr362Pro (NM_001127660.2); short protein forms T362P.
Identifiers: ClinVar variation 246245 (VCV000246245.6), dbSNP rs879254176, ClinGen allele CA10584102.
Genomic context (GRCh38, chr1:12,002,027, plus strand): 5'-CTCTGTGTGTTCCAGGAGTGCATCTCCCAGTCTGCAGTGAAGACCAAGTTTGAGCAGCAC[A>C]CGGTCCGGGCCAAGCAGATTGCAGAGGCGGTTCGACTCATCATGGACTCCCTGCACATGG-3'
Protein context (NP_055689.1, residues 352-372): SAVKTKFEQH[Thr362Pro]VRAKQIAEAV